The following is an entry in ClinVar:

ClinVar aggregate classification (germline): Conflicting classifications of pathogenicity. Review status: criteria provided, conflicting classifications (1 of 4 stars). 5 submissions from 5 submitters: Uncertain significance (1); Benign (2); Likely benign (2). Last evaluated 2025-05-08.

Conditions:
Hereditary cancer-predisposing syndrome. Also called: Tumor predisposition; Hereditary Cancer Syndrome; Neoplastic Syndromes, Hereditary; Hereditary neoplastic syndrome. Identifiers: Orphanet 140162, MedGen C0027672, MeSH D009386, MONDO:0015356.
Tuberous sclerosis 2 (TSC2). Identifiers: Orphanet 805, MedGen C1860707, MONDO:0013199, OMIM 613254.

gnomAD v4.1: 1 of 1,614,028 alleles (0.000062%); highest among the groups gnomAD compares: Non-Finnish European, 0.000085%; no homozygotes.

Submissions (5):

Myriad Genetics, Inc.
Classification: Benign for Tuberous sclerosis 2. Last evaluated: 2025-05-08. Review status: criteria provided, single submitter. Criteria: Myriad Autosomal Dominant, Autosomal Recessive and X-Linked Classification Criteria (2023). Collection method: clinical testing. Allele origin: unknown.
Comment: This variant is considered benign. This variant is a silent/synonymous amino acid change and it is not expected to impact splicing.

Greenwood Genetic Center Diagnostic Laboratories, Greenwood Genetic Center
Classification: Uncertain significance. Last evaluated: 2021-12-29. Review status: criteria provided, single submitter. Criteria: ACMG Guidelines, 2015. Collection method: clinical testing. Allele origin: germline. Affected: yes.
Comment: PM2

Genome-Nilou Lab
Classification: Benign for Tuberous sclerosis 2. Last evaluated: 2021-11-07. Review status: criteria provided, single submitter. Criteria: ACMG Guidelines, 2015. Collection method: clinical testing. Allele origin: germline. Affected: no.

Labcorp Genetics (formerly Invitae), Labcorp
Classification: Likely benign for Tuberous sclerosis 2. Last evaluated: 2020-05-29. Review status: criteria provided, single submitter. Criteria: Invitae Variant Classification Sherloc (09022015). Collection method: clinical testing. Allele origin: germline.

Ambry Genetics
Classification: Likely benign for Hereditary cancer-predisposing syndrome. Last evaluated: 2019-10-12. Review status: criteria provided, single submitter. Criteria: Ambry Variant Classification Scheme 2023. Collection method: clinical testing. Allele origin: germline.

NM_000548.5(TSC2):c.613C>T (p.Leu205=)

Gene: TSC2 (TSC complex subunit 2; plus strand). Cytogenetic location: 16p13.3.
Variant type: single nucleotide variant.
Coding change: c.613C>T on transcript NM_000548.5 (MANE Select); coding-DNA position 613, C replaced by T.
Protein change: p.Leu205=; no amino-acid change (leucine 205 retained).
Molecular consequence: synonymous variant.
Genome position (GRCh38, 1-based): chr16:2,056,209, C>T. VCF-style: chr16-2056209-C-T. GRCh37 (hg19) VCF-style: chr16-2106210-C-T.
Other names: c.613C>T, p.Leu205= (NM_001077183.3, NM_001114382.3, NM_001363528.2 and 3 more transcripts); c.502C>T, p.Leu168= (NM_001318827.2); c.466C>T, p.Leu156= (NM_001318829.2); c.13C>T, p.Leu5= (NM_001318831.2); c.646C>T, p.Leu216= (NM_001318832.2).
Identifiers: ClinVar variation 761294 (VCV000761294.21), dbSNP rs1596275276, ClinGen allele CA492956300.